The following is an entry in ClinVar:

NM_182758.4(WDR72):c.3149-17739_3149-17738inv

Gene: WDR72 (WD repeat domain 72; minus strand). Cytogenetic location: 15q21.3.
Variant type: Inversion.
Coding change: c.3149-17739_3149-17738inv on transcript NM_182758.4 (MANE Select).
Molecular consequence: intron variant. On other transcripts: missense variant (1), non-coding transcript variant (1).
Genome position: GRCh38 VCF-style: chr15-53541060-TG-CA. GRCh37 (hg19) VCF-style: chr15-53833257-TG-CA.
Other names: c.20_21inv, p.Pro7Leu (NM_001277176.2); short protein forms P7L.
Identifiers: ClinVar variation 3029744 (VCV003029744.2), ClinGen allele CA2740096716.

ClinVar aggregate classification (germline): Uncertain significance (0 of 4 stars; one submission).

Conditions:
WDR72-related disorder. Also called: WDR72-related condition.

Submission:

PreventionGenetics, part of Exact Sciences
Classification: Uncertain significance for WDR72-related condition. Last evaluated: 2023-11-30. Review status: no assertion criteria provided. Collection method: clinical testing. Allele origin: germline.
Comment: The WDR72 c.20_21delinsTG variant is predicted to result in an in-frame deletion and insertion. This variant is referred to as c.3149-17739_3149-17738delinsTG (intronic) with an alternate transcript NM_182758.3. To our knowledge, this variant has not been reported in the literature or in a large population database, indicating this variant is rare. At this time, the clinical significance of this variant is uncertain due to the absence of conclusive functional and genetic evidence.